The following is an entry in ClinVar:

ClinVar aggregate classification (germline): Likely benign (1 of 4 stars; one submission).

Conditions:
Leigh syndrome (NULS). Also called: Leigh's necrotizing encephalopathy; Leigh's disease; Leigh Syndrome (mtDNA deletion); Leigh Disease; Subacute necrotizing encephalopathy; Necrotizing encephalopathy infantile subacute of Leigh. Identifiers: Orphanet 506, MedGen C2931891, MONDO:0009723, OMIM 256000.

Submission:

Wong Mito Lab, Molecular and Human Genetics, Baylor College of Medicine
Classification: Likely benign for Leigh syndrome. Last evaluated: 2019-10-17. Review status: criteria provided, single submitter. Criteria: Modified ACMG Guidelines (Unpublished). Collection method: clinical testing. Allele origin: germline.
Comment: The NC_012920.1:m.8258T>C (YP_003024029.1:p.Phe225Leu) variant in MTCO2 gene is interpretated to be a Likely Benign variant based on the modified ACMG guidelines (unpublished). This variant meets the following evidence codes: BS1, BP4

NC_012920.1(MT-CO2):m.8258T>C

Gene: MT-CO2 (mitochondrially encoded cytochrome c oxidase II; plus strand).
Variant type: single nucleotide variant.
Genome position: chrM-8258-T-C.
Identifiers: ClinVar variation 692831 (VCV000692831.1), dbSNP rs1603221357, ClinGen allele CA414795724.